The following is an entry in ClinVar:

NM_019594.4(LRRC8A):c.2389G>A (p.Glu797Lys)

Gene: LRRC8A (leucine rich repeat containing 8 VRAC subunit A; plus strand). Cytogenetic location: 9q34.11.
Variant type: single nucleotide variant.
Coding change: c.2389G>A on transcript NM_019594.4 (MANE Select); coding-DNA position 2389, G replaced by A.
Protein change: p.Glu797Lys; replaces glutamic acid 797 with lysine.
Molecular consequence: missense variant.
Genome position (GRCh38, 1-based): chr9:128,916,327, G>A. VCF-style: chr9-128916327-G-A. GRCh37 (hg19) VCF-style: chr9-131678606-G-A.
Other names: c.2389G>A, p.Glu797Lys (NM_001127244.2, NM_001127245.2); c.2389G>A (NM_001127244.1); short protein forms E797K.
Identifiers: ClinVar variation 1393375 (VCV001393375.7), dbSNP rs561567188, ClinGen allele CA5271083.
Genomic context (GRCh38, chr9:128,916,327, plus strand): 5'-CCACTGCTCAAGCGCAGCGGCTTGGTGGTGGAGGAGGACCTGTTCAACACACTGCCACCC[G>A]AGGTGAAGGAGCGGCTGTGGAGGGCTGACAAGGAGCAGGCCTGAGCGAGGCCGGCCCAGC-3'
Protein context (NP_062540.2, residues 787-807): EEDLFNTLPP[Glu797Lys]VKERLWRADK

ClinVar aggregate classification (germline): Uncertain significance. Review status: criteria provided, multiple submitters, no conflicts (2 of 4 stars). 2 submissions from 2 submitters: Uncertain significance (2). Last evaluated 2025-12-20.

Allele frequency attached by ClinVar (database versions not stated): ExAC 0.00002; gnomAD 0.00002; gnomAD exomes 0.00003 and 0.00006; TOPMed 0.00005.
gnomAD v4.1: 48 of 1,612,232 alleles (0.003%); highest among the groups gnomAD compares: Admixed American, 0.018%; no homozygotes.

Submissions (2):

Labcorp Genetics (formerly Invitae), Labcorp
Classification: Uncertain significance. Last evaluated: 2025-12-20. Review status: criteria provided, single submitter. Criteria: Invitae Variant Classification Sherloc (09022015). Collection method: clinical testing. Allele origin: germline.
Comment: This sequence change replaces glutamic acid, which is acidic and polar, with lysine, which is basic and polar, at codon 797 of the LRRC8A protein (p.Glu797Lys). This variant is present in population databases (rs561567188, gnomAD 0.03%). This variant has not been reported in the literature in individuals affected with LRRC8A-related conditions. ClinVar contains an entry for this variant (Variation ID: 1393375). An algorithm developed to predict the effect of missense changes on protein structure and function (PolyPhen-2) suggests that this variant is likely to be tolerated. Algorithms developed to predict the effect of sequence changes on RNA splicing suggest that this variant may create or strengthen a splice site. In summary, the available evidence is currently insufficient to determine the role of this variant in disease. Therefore, it has been classified as a Variant of Uncertain Significance.

Ambry Genetics
Classification: Uncertain significance. Last evaluated: 2024-04-23. Review status: criteria provided, single submitter. Criteria: Ambry Variant Classification Scheme 2023. Collection method: clinical testing. Allele origin: germline.